The following is an entry in ClinVar:

ClinVar aggregate classification (germline): Uncertain significance (1 of 4 stars; one submission).

gnomAD v4.1: 2 of 1,611,622 alleles (0.00012%); highest among the groups gnomAD compares: East Asian, 0.0045%; no homozygotes.

Submission:

Labcorp Genetics (formerly Invitae), Labcorp
Classification: Uncertain significance. Last evaluated: 2025-09-14. Review status: criteria provided, single submitter. Criteria: Invitae Variant Classification Sherloc (09022015). Collection method: clinical testing. Allele origin: germline.
Comment: This sequence change replaces phenylalanine, which is neutral and non-polar, with leucine, which is neutral and non-polar, at codon 291 of the EDNRB protein (p.Phe291Leu). This variant is present in population databases (no rsID available, gnomAD 0.006%). This variant has not been reported in the literature in individuals affected with EDNRB-related conditions. Invitae Evidence Modeling of protein sequence and biophysical properties (such as structural, functional, and spatial information, amino acid conservation, physicochemical variation, residue mobility, and thermodynamic stability) indicates that this missense variant is not expected to disrupt EDNRB protein function with a negative predictive value of 80%. In summary, the available evidence is currently insufficient to determine the role of this variant in disease. Therefore, it has been classified as a Variant of Uncertain Significance.

NM_001122659.3(EDNRB):c.871T>C (p.Phe291Leu)

Genes: EDNRB (endothelin receptor type B; minus strand), EDNRB-AS1 (EDNRB antisense RNA 1; plus strand). Cytogenetic location: 13q22.3.
Variant type: single nucleotide variant.
Coding change: c.871T>C on transcript NM_001122659.3 (MANE Select); coding-DNA position 871, T replaced by C.
Protein change: p.Phe291Leu; replaces phenylalanine 291 with leucine.
Molecular consequence: missense variant.
Genome position (GRCh38, 1-based): chr13:77,901,138, A>G on the plus strand (T>C on the coding strand, the complement: EDNRB is on the minus strand). VCF-style: chr13-77901138-A-G. GRCh37 (hg19) VCF-style: chr13-78475273-A-G.
Other names: c.871T>C, p.Phe291Leu (NM_000115.5, NM_003991.4); c.1141T>C, p.Phe381Leu (NM_001201397.2); short protein forms F291L, F381L.
Identifiers: ClinVar variation 4775975 (VCV004775975.1).